The following is an entry in ClinVar:

NM_003190.5(TAPBP):c.1258G>A (p.Ala420Thr)

Gene: TAPBP (TAP binding protein; minus strand). Cytogenetic location: 6p21.32.
Variant type: single nucleotide variant.
Coding change: c.1258G>A on transcript NM_003190.5 (MANE Select); coding-DNA position 1258, G replaced by A.
Protein change: p.Ala420Thr; replaces alanine 420 with threonine.
Molecular consequence: missense variant.
Genome position (GRCh38, 1-based): chr6:33,304,170, C>T on the plus strand (G>A on the coding strand, the complement: TAPBP is on the minus strand). VCF-style: chr6-33304170-C-T. GRCh37 (hg19) VCF-style: chr6-33271947-C-T.
Other names: c.1258G>A, p.Ala420Thr (NM_172208.3); c.997G>A, p.Ala333Thr (NM_172209.3); short protein forms A420T, A333T.
Identifiers: ClinVar variation 534708 (VCV000534708.8), dbSNP rs1382572674, ClinGen allele CA363687019.
Genomic context (GRCh38, chr6:33,304,170, plus strand): 5'-GGTAGGGCTGACACTTACCAGCCCAGCCCAGTGCCTTGAAGAGCCCAAGCAGAAGAAAGG[C>T]AGACAGGAAAAGGCCTACGCTGTCCTCAAGGGAGGGCCCTGAAAGACCTGGCAGGCAGAA-3'
Protein context (NP_003181.3, residues 410-430): LEDSVGLFLS[Ala420Thr]FLLLGLFKAL

ClinVar aggregate classification (germline): Uncertain significance (1 of 4 stars; one submission).

Conditions:
MHC class I deficiency. Identifiers: Orphanet 34592, MedGen C6024714, MONDO:0011476.

Submission:

Labcorp Genetics (formerly Invitae), Labcorp
Classification: Uncertain significance for MHC class I deficiency 1. Last evaluated: 2021-09-02. Review status: criteria provided, single submitter. Criteria: Invitae Variant Classification Sherloc (09022015). Collection method: clinical testing. Allele origin: germline.
Comment: This sequence change replaces alanine with threonine at codon 420 of the TAPBP protein (p.Ala420Thr). The alanine residue is highly conserved and there is a small physicochemical difference between alanine and threonine. In summary, the available evidence is currently insufficient to determine the role of this variant in disease. Therefore, it has been classified as a Variant of Uncertain Significance. Algorithms developed to predict the effect of missense changes on protein structure and function are either unavailable or do not agree on the potential impact of this missense change (SIFT: "Tolerated"; PolyPhen-2: "Possibly Damaging"; Align-GVGD: "Class C0"). This variant has not been reported in the literature in individuals affected with TAPBP-related conditions. This variant is not present in population databases (ExAC no frequency).